The following is an entry in ClinVar:

NM_000535.7(PMS2):c.1792C>T (p.Gln598Ter)

Gene: PMS2 (PMS1 homolog 2, mismatch repair system component; minus strand). Cytogenetic location: 7p22.1.
Variant type: single nucleotide variant.
Coding change: c.1792C>T on transcript NM_000535.7 (MANE Select); coding-DNA position 1792, C replaced by T.
Protein change: p.Gln598Ter; replaces glutamine 598 with a stop codon.
Molecular consequence: nonsense. On other transcripts: non-coding transcript variant (1).
Genome position (GRCh38, 1-based): chr7:5,986,973, G>A on the plus strand (C>T on the coding strand, the complement: PMS2 is on the minus strand). VCF-style: chr7-5986973-G-A. GRCh37 (hg19) VCF-style: chr7-6026604-G-A.
Other names: c.1387C>T, p.Gln463Ter (NM_001322003.2, NM_001322004.2, NM_001322005.2 and 1 more transcripts); c.1636C>T, p.Gln546Ter (NM_001322006.2); c.1474C>T, p.Gln492Ter (NM_001322007.2, NM_001322008.2); c.1231C>T, p.Gln411Ter (NM_001322010.2); c.859C>T, p.Gln287Ter (NM_001322011.2, NM_001322012.2); c.1219C>T, p.Gln407Ter (NM_001322013.2); c.1792C>T, p.Gln598Ter (NM_001322014.2); c.1483C>T, p.Gln495Ter (NM_001322015.2); short protein forms Q463*, Q495*, Q598*, Q407*, Q411*, Q492*, Q287*, Q546*.
Identifiers: ClinVar variation 957674 (VCV000957674.6), dbSNP rs1782978316, ClinGen allele CA366739832.

ClinVar aggregate classification (germline): Pathogenic. Review status: criteria provided, multiple submitters, no conflicts (2 of 4 stars). 2 submissions from 2 submitters: Pathogenic (2). Last evaluated 2025-08-20.

Conditions:
Hereditary nonpolyposis colorectal neoplasms. Identifiers: MedGen C0009405, MeSH D003123.
Hereditary cancer-predisposing syndrome. Also called: Tumor predisposition; Hereditary neoplastic syndrome; Neoplastic Syndromes, Hereditary; Hereditary Cancer Syndrome. Identifiers: Orphanet 140162, MedGen C0027672, MeSH D009386, MONDO:0015356.

Submissions (2):

Ambry Genetics
Classification: Pathogenic for Hereditary cancer-predisposing syndrome. Last evaluated: 2025-08-20. Review status: criteria provided, single submitter. Criteria: Ambry Variant Classification Scheme 2023. Collection method: clinical testing. Allele origin: germline.
Comment: The p.Q598* pathogenic mutation (also known as c.1792C>T), located in coding exon 11 of the PMS2 gene, results from a C to T substitution at nucleotide position 1792. This changes the amino acid from a glutamine to a stop codon within coding exon 11. This variant is considered to be rare based on population cohorts in the Genome Aggregation Database (gnomAD). This alteration is expected to result in loss of function by premature protein truncation or nonsense-mediated mRNA decay. As such, this alteration is interpreted as a disease-causing mutation.

Labcorp Genetics (formerly Invitae), Labcorp
Classification: Pathogenic for Hereditary nonpolyposis colorectal neoplasms. Last evaluated: 2024-01-30. Review status: criteria provided, single submitter. Criteria: Invitae Variant Classification Sherloc (09022015). Collection method: clinical testing. Allele origin: germline.
Comment: This sequence change creates a premature translational stop signal (p.Gln598*) in the PMS2 gene. It is expected to result in an absent or disrupted protein product. Loss-of-function variants in PMS2 are known to be pathogenic (PMID: 21376568, 24362816). This variant is not present in population databases (gnomAD no frequency). This variant has not been reported in the literature in individuals affected with PMS2-related conditions. ClinVar contains an entry for this variant (Variation ID: 957674). For these reasons, this variant has been classified as Pathogenic.

Literature cited by the submitters: PubMed 21376568 (cited by Labcorp Genetics (formerly Invitae), Labcorp); PubMed 24362816 (cited by Labcorp Genetics (formerly Invitae), Labcorp).